The following is an entry in ClinVar:

NM_000355.4(TCN2):c.1211dup (p.Leu405fs)

Gene: TCN2 (transcobalamin 2; plus strand). Cytogenetic location: 22q12.2.
Variant type: Duplication.
Coding change: c.1211dup on transcript NM_000355.4 (MANE Select); coding-DNA position 1211, one base duplicated (C; older notation c.1211dupC).
Protein change: p.Leu405fs; shifts the reading frame from leucine 405.
Molecular consequence: frameshift variant.
Genome position (GRCh38, 1-based): chr22:30,623,072, C duplicated; the last of 4 consecutive C bases (chr22:30,623,069-30,623,072); duplicating any one gives the same sequence. VCF-style (leftmost placement, unchanged base first): chr22-30623068-A-AC. GRCh37 (hg19) VCF-style: chr22-31019055-A-AC.
Other names: c.1130dup, p.Leu378fs (NM_001184726.2); short protein forms L378fs, L405fs.
Identifiers: ClinVar variation 4857532 (VCV004857532.1).

ClinVar aggregate classification (germline): Likely pathogenic (1 of 4 stars; one submission).

Conditions:
Transcobalamin II deficiency (TCN2D). Also called: TC II DEFICIENCY; TCN2 DEFICIENCY; Transcolabamin II deficiency. Identifiers: Orphanet 859, MedGen C0342701, MONDO:0010149, OMIM 275350.

Submission:

Clinical Research Development Center, Iran University of Medical Sciences (IUMS)
Classification: Likely pathogenic for Transcobalamin II deficiency. Last evaluated: 2026-07-08. Review status: criteria provided, single submitter. Criteria: ACMG Guidelines, 2015. Collection method: clinical testing. Allele origin: germline. Inheritance: Autosomal recessive inheritance. Affected: yes. Observed: 1 variant allele, 1 homozygote.
Comment: The c.1211 dup variant in TCN2 gene was absent from large population studies (PM2). Furthermore, it is a null variant in a gene where loss of function is a known mechanism of disease; so, it results in an absent or disrupted protein product (PVS1).

Literature cited by the submitters: PubMed 36035190.